The following is an entry in ClinVar:

ClinVar aggregate classification (germline): Uncertain significance. Review status: criteria provided, multiple submitters, no conflicts (2 of 4 stars). 2 submissions from 2 submitters: Uncertain significance (2). Last evaluated 2022-06-10.

Conditions:
Inborn genetic diseases. Identifiers: MedGen C0950123, MeSH D030342.
Developmental and epileptic encephalopathy. Identifiers: MedGen C5779964, MONDO:0100620.

Submissions (2):

Ambry Genetics
Classification: Uncertain significance for Inborn genetic diseases. Last evaluated: 2022-06-10. Review status: criteria provided, single submitter. Criteria: Ambry Variant Classification Scheme 2023. Collection method: clinical testing. Allele origin: germline.

Labcorp Genetics (formerly Invitae), Labcorp
Classification: Uncertain significance for Early-infantile DEE. Last evaluated: 2021-12-29. Review status: criteria provided, single submitter. Criteria: Invitae Variant Classification Sherloc (09022015). Collection method: clinical testing. Allele origin: germline.
Comment: This sequence change replaces aspartic acid, which is acidic and polar, with glycine, which is neutral and non-polar, at codon 58 of the ST3GAL3 protein (p.Asp58Gly). In summary, the available evidence is currently insufficient to determine the role of this variant in disease. Therefore, it has been classified as a Variant of Uncertain Significance. Algorithms developed to predict the effect of sequence changes on RNA splicing suggest that this variant may create or strengthen a splice site. Algorithms developed to predict the effect of missense changes on protein structure and function are either unavailable or do not agree on the potential impact of this missense change (SIFT: "Deleterious"; PolyPhen-2: "Probably Damaging"; Align-GVGD: "Class C0"). This variant has not been reported in the literature in individuals affected with ST3GAL3-related conditions. This variant is not present in population databases (gnomAD no frequency).

NM_006279.5(ST3GAL3):c.173A>G (p.Asp58Gly)

Gene: ST3GAL3 (ST3 beta-galactoside alpha-2,3-sialyltransferase 3; plus strand). Cytogenetic location: 1p34.1.
Variant type: single nucleotide variant.
Coding change: c.173A>G on transcript NM_006279.5 (MANE Select); coding-DNA position 173, A replaced by G.
Protein change: p.Asp58Gly; replaces aspartic acid 58 with glycine.
Molecular consequence: missense variant. On other transcripts: 5 prime UTR variant (1), non-coding transcript variant (6).
Genome position (GRCh38, 1-based): chr1:43,814,897, A>G. VCF-style: chr1-43814897-A-G. GRCh37 (hg19) VCF-style: chr1-44280569-A-G.
Other names: c.173A>G, p.Asp58Gly (NM_001350620.2, NM_001363573.2, NM_174966.4 and 4 more transcripts); c.-281A>G (NM_001350621.2); c.125A>G, p.Asp42Gly (NM_001410781.1, NM_174969.4, NM_174970.4 and 5 more transcripts); c.218A>G, p.Asp73Gly (NM_174963.5, NM_174964.4, NM_174965.4 and 1 more transcripts); c.170A>G, p.Asp57Gly (NM_001270463.3, NM_001270465.3); short protein forms D42G, D57G, D58G, D73G.
Identifiers: ClinVar variation 1912668 (VCV001912668.5), dbSNP rs2061043617, ClinGen allele CA340265363.